The following is an entry in ClinVar:

NM_006231.4(POLE):c.916C>G (p.Leu306Val)

Gene: POLE (DNA polymerase epsilon, catalytic subunit; minus strand). Cytogenetic location: 12q24.33.
Variant type: single nucleotide variant.
Coding change: c.916C>G on transcript NM_006231.4 (MANE Select); coding-DNA position 916, C replaced by G.
Protein change: p.Leu306Val; replaces leucine 306 with valine.
Molecular consequence: missense variant.
Genome position (GRCh38, 1-based): chr12:132,676,198, G>C on the plus strand (C>G on the coding strand, the complement: POLE is on the minus strand). VCF-style: chr12-132676198-G-C. GRCh37 (hg19) VCF-style: chr12-133252784-G-C.
Other names: short protein forms L306V.
Identifiers: ClinVar variation 3725550 (VCV003725550.2).
Genomic context (GRCh38, chr12:132,676,198, plus strand): 5'-GCTTGGGGGTGAACTCAAAATCTTCAATATCTTCTGAAACAATCTCCCTGTTGGTGATGA[G>C]GTAGCCCTAGCCAAGTTCATTAGCAATCAGCACAAGTCAGAGGCTGCAAAGCCAAGAAAT-3'
Protein context (NP_006222.2, residues 296-316): ISYMIDGQGY[Leu306Val]ITNREIVSED

ClinVar aggregate classification (germline): Uncertain significance (1 of 4 stars; one submission).

gnomAD v4.1: 1 of 1,611,126 alleles (0.000062%); highest among the groups gnomAD compares: South Asian, 0.0011%; no homozygotes.

Submission:

Labcorp Genetics (formerly Invitae), Labcorp
Classification: Uncertain significance. Last evaluated: 2024-12-12. Review status: criteria provided, single submitter. Criteria: Invitae Variant Classification Sherloc (09022015). Collection method: clinical testing. Allele origin: germline.
Comment: This sequence change replaces leucine, which is neutral and non-polar, with valine, which is neutral and non-polar, at codon 306 of the POLE protein (p.Leu306Val). This variant is present in population databases (no rsID available, gnomAD 0.003%). This variant has not been reported in the literature in individuals affected with POLE-related conditions. Invitae Evidence Modeling of protein sequence and biophysical properties (such as structural, functional, and spatial information, amino acid conservation, physicochemical variation, residue mobility, and thermodynamic stability) indicates that this missense variant is expected to disrupt POLE protein function with a positive predictive value of 80%. In summary, the available evidence is currently insufficient to determine the role of this variant in disease. Therefore, it has been classified as a Variant of Uncertain Significance.